The following is an entry in ClinVar:

ClinVar aggregate classification (germline): Likely benign (1 of 4 stars; one submission).

Allele frequency attached by ClinVar (database versions not stated): 1000 Genomes Project 0.00998; gnomAD 0.01016 and 0.01090; 1000 Genomes Project 30x 0.01031; TOPMed 0.01155.
gnomAD v4.1: 1,519 of 151,506 alleles (1%); highest among the groups gnomAD compares: African/African-American, 3.4%; 22 homozygotes.

Submission:

GeneDx
Classification: Likely benign. Last evaluated: 2018-06-14. Review status: criteria provided, single submitter. Criteria: GeneDx Variant Classification (06012015). Collection method: clinical testing. Allele origin: germline. Affected: yes.
Comment: This variant is considered likely benign or benign based on one or more of the following criteria: it is a conservative change, it occurs at a poorly conserved position in the protein, it is predicted to be benign by multiple in silico algorithms, and/or has population frequency not consistent with disease.

NM_000722.4(CACNA2D1):c.2205-153G>A

Gene: CACNA2D1 (calcium voltage-gated channel auxiliary subunit alpha2delta 1; minus strand). Cytogenetic location: 7q21.11.
Variant type: single nucleotide variant.
Coding change: c.2205-153G>A on transcript NM_000722.4 (MANE Select); 153 bases into the intron before coding-DNA position 2205, G replaced by A.
Molecular consequence: intron variant.
Genome position (GRCh38, 1-based): chr7:81,970,137, C>T on the plus strand (G>A on the coding strand, the complement: CACNA2D1 is on the minus strand). VCF-style: chr7-81970137-C-T. GRCh37 (hg19) VCF-style: chr7-81599453-C-T.
Other names: c.2241-153G>A (NM_001366867.1).
Identifiers: ClinVar variation 681149 (VCV000681149.1), dbSNP rs79748558, ClinGen allele CA161124070.